The following is an entry in ClinVar:

NM_001042492.3(NF1):c.2977T>C (p.Leu993=)

Gene: NF1 (neurofibromin 1; plus strand). Cytogenetic location: 17q11.2.
Variant type: single nucleotide variant.
Coding change: c.2977T>C on transcript NM_001042492.3 (MANE Select); coding-DNA position 2977, T replaced by C.
Protein change: p.Leu993=; no amino-acid change (leucine 993 retained).
Molecular consequence: synonymous variant.
Genome position (GRCh38, 1-based): chr17:31,229,961, T>C. VCF-style: chr17-31229961-T-C. GRCh37 (hg19) VCF-style: chr17-29556979-T-C.
Other names: c.2977T>C, p.Leu993= (NM_000267.4).
Identifiers: ClinVar variation 750506 (VCV000750506.10), dbSNP rs1597716461, ClinGen allele CA499230043.

ClinVar aggregate classification (germline): Benign/Likely benign. Review status: criteria provided, multiple submitters, no conflicts (2 of 4 stars). 2 submissions from 2 submitters: Benign (1); Likely benign (1). Last evaluated 2026-05-18.

Conditions:
Neurofibromatosis, type 1 (NF1). Also called: NEUROFIBROMATOSIS, TYPE I, SOMATIC; Peripheral type neurofibromatosis; VON RECKLINGHAUSEN DISEASE; Neurofibromatosis, type I. Identifiers: Orphanet 636, MedGen C0027831, MONDO:0018975, OMIM 162200. Disease mechanism: loss of function.

Submissions (2):

Myriad Genetics, Inc.
Classification: Benign for Neurofibromatosis, type 1. Last evaluated: 2026-05-18. Review status: criteria provided, single submitter. Criteria: Myriad Autosomal Dominant, Autosomal Recessive and X-Linked Classification Criteria (2023). Collection method: clinical testing. Allele origin: unknown.
Comment: This variant is considered benign. This variant is a silent/synonymous amino acid change and it is not expected to impact splicing.

Labcorp Genetics (formerly Invitae), Labcorp
Classification: Likely benign for Neurofibromatosis, type 1. Last evaluated: 2024-05-14. Review status: criteria provided, single submitter. Criteria: Invitae Variant Classification Sherloc (09022015). Collection method: clinical testing. Allele origin: germline.